The following is an entry in ClinVar:

ClinVar aggregate classification (germline): Conflicting classifications of pathogenicity. Review status: criteria provided, conflicting classifications (1 of 4 stars). 2 submissions from 2 submitters: Uncertain significance (1); Likely benign (1). Last evaluated 2025-02-19.

Conditions:
Landau-Kleffner syndrome (FESD). Also called: APHASIA, ACQUIRED, WITH EPILEPSY; EPILEPSY, FOCAL, WITH SPEECH DISORDER AND WITH OR WITHOUT MENTAL RETARDATION. Identifiers: Orphanet 1945, Orphanet 725, Orphanet 98818, MedGen C0282512, MONDO:0009509, OMIM 245570.

Allele frequency attached by ClinVar (database versions not stated): ExAC 0.00001; gnomAD exomes 0.00001 and 0.00006; TOPMed 0.00002; gnomAD 0.00003 and 0.00004.
gnomAD v4.1: 89 of 1,613,990 alleles (0.0055%); highest among the groups gnomAD compares: Non-Finnish European, 0.0074%; no homozygotes.

Submissions (2):

Labcorp Genetics (formerly Invitae), Labcorp
Classification: Likely benign for Landau-Kleffner syndrome. Last evaluated: 2025-02-19. Review status: criteria provided, single submitter. Criteria: Invitae Variant Classification Sherloc (09022015). Collection method: clinical testing. Allele origin: germline.

GeneDx
Classification: Uncertain significance. Last evaluated: 2015-01-02. Review status: criteria provided, single submitter. Criteria: GeneDx Variant Classification (06012015). Collection method: clinical testing. Allele origin: germline. Affected: yes.
Comment: p.Thr1229Ser (ACC>TCC): c.3685 A>T in exon 14 of the GRIN2A gene (NM_000833.3). The T1229S variant has not been published as a mutation, nor has it been reported as a benign polymorphism to our knowledge. It was not observed in approximately 6,500 individuals of European and African American ancestry in the NHLBI Exome Sequencing Project, indicating it is not a common benign variant in these populations. This substitution occurs at a position that is conserved in mammals; however, this position is not conserved in more distantly related species, and Serine has been seen at this position in evolution. Additionally, the T1229S variant is a conservative amino acid substitution, which is not likely to impact secondary protein structure as these residues share similar properties. In silico analysis predicts this variant likely does not alter the protein structure/function. Therefore, based on the currently available information, it is unclear whether this variant is a pathogenic mutation or a rare benign variant. The variant is found in CHILD-EPI panel(s).

NM_001134407.3(GRIN2A):c.3685A>T (p.Thr1229Ser)

Gene: GRIN2A (glutamate ionotropic receptor NMDA type subunit 2A; minus strand). Cytogenetic location: 16p13.2.
Variant type: single nucleotide variant.
Coding change: c.3685A>T on transcript NM_001134407.3 (MANE Select); coding-DNA position 3685, A replaced by T.
Protein change: p.Thr1229Ser; replaces threonine 1229 with serine.
Molecular consequence: missense variant.
Genome position (GRCh38, 1-based): chr16:9,763,859, T>A on the plus strand (A>T on the coding strand, the complement: GRIN2A is on the minus strand). VCF-style: chr16-9763859-T-A. GRCh37 (hg19) VCF-style: chr16-9857716-T-A.
Other names: p.T1229S:ACC>TCC; c.3685A>T, p.Thr1229Ser (NM_000833.5, NM_001134408.2); short protein forms T1229S.
Identifiers: ClinVar variation 205677 (VCV000205677.7), dbSNP rs747136651, ClinGen allele CA314986.